The following is an entry in ClinVar:

ClinVar aggregate classification (germline): Likely benign. Review status: criteria provided, multiple submitters, no conflicts (2 of 4 stars). 3 submissions from 3 submitters: Likely benign (2). 1 of the submissions does not count toward it. Last evaluated 2026-01-09.

Conditions:
FKRP-related disorder. Also called: FKRP-related condition.
Cardiovascular phenotype. Identifiers: MedGen CN230736.
Walker-Warburg congenital muscular dystrophy. Also called: Muscular dystrophy-dystroglycanopathy, type A; Walker-Warburg syndrome. Identifiers: Orphanet 899, MedGen C0265221, MONDO:0000171.

Allele frequency attached by ClinVar (database versions not stated): gnomAD 0.00003; TOPMed 0.00003; gnomAD exomes 0.00003.

Submissions (3):

Labcorp Genetics (formerly Invitae), Labcorp
Classification: Likely benign for Walker-Warburg congenital muscular dystrophy. Last evaluated: 2026-01-09. Review status: criteria provided, single submitter. Criteria: Invitae Variant Classification Sherloc (09022015). Collection method: clinical testing. Allele origin: germline.

Ambry Genetics
Classification: Likely benign for Cardiovascular phenotype. Last evaluated: 2021-01-26. Review status: criteria provided, single submitter. Criteria: Ambry Variant Classification Scheme 2023. Collection method: clinical testing. Allele origin: germline.

PreventionGenetics, part of Exact Sciences
Classification: Likely benign for FKRP-related condition. Last evaluated: 2023-07-13. Review status: no assertion criteria provided. Collection method: clinical testing. Allele origin: germline. Not counted in ClinVar's aggregate classification.
Comment: This variant is classified as likely benign based on ACMG/AMP sequence variant interpretation guidelines (Richards et al. 2015 PMID: 25741868, with internal and published modifications).

NM_024301.5(FKRP):c.795G>C (p.Arg265=)

Gene: FKRP (fukutin related protein; plus strand). Cytogenetic location: 19q13.32.
Variant type: single nucleotide variant.
Coding change: c.795G>C on transcript NM_024301.5 (MANE Select); coding-DNA position 795, G replaced by C.
Protein change: p.Arg265=; no amino-acid change (arginine 265 retained).
Molecular consequence: synonymous variant.
Genome position (GRCh38, 1-based): chr19:46,756,245, G>C. VCF-style: chr19-46756245-G-C. GRCh37 (hg19) VCF-style: chr19-47259502-G-C.
Other names: c.795G>C, p.Arg265= (NM_001039885.3).
Identifiers: ClinVar variation 1124531 (VCV001124531.11), dbSNP rs1364305668, ClinGen allele CA507976121.